The following is an entry in ClinVar:

ClinVar aggregate classification (germline): Conflicting classifications of pathogenicity. Review status: criteria provided, conflicting classifications (1 of 4 stars). 4 submissions from 4 submitters: Uncertain significance (1); Likely benign (2). 1 of the submissions does not count toward it. Last evaluated 2024-11-05.

Conditions:
KIF4A-related disorder. Also called: KIF4A-related condition.

Allele frequency attached by ClinVar (database versions not stated): gnomAD exomes 0.00002 and 0.00005; ExAC 0.00010; TOPMed 0.00013; gnomAD 0.00040 and 0.00042.
gnomAD v4.1: 105 of 1,187,347 alleles (0.0088%); highest among the groups gnomAD compares: Admixed American, 0.075%; 2 homozygotes.

Submissions (4):

Blueprint Genetics
Classification: Likely benign. Last evaluated: 2024-11-05. Review status: criteria provided, single submitter. Criteria: ACMG Guidelines, 2015. Collection method: clinical testing. Allele origin: germline.

Labcorp Genetics (formerly Invitae), Labcorp
Classification: Likely benign. Last evaluated: 2019-12-31. Review status: criteria provided, single submitter. Criteria: Invitae Variant Classification Sherloc (09022015). Collection method: clinical testing. Allele origin: germline.

Genetic Services Laboratory, University of Chicago
Classification: Uncertain significance. Last evaluated: 2016-03-03. Review status: criteria provided, single submitter. Criteria: ACMG Guidelines, 2015. Collection method: clinical testing. Allele origin: germline. Affected: no.

PreventionGenetics, part of Exact Sciences
Classification: Likely benign for KIF4A-related condition. Last evaluated: 2019-05-23. Review status: no assertion criteria provided. Collection method: clinical testing. Allele origin: germline. Not counted in ClinVar's aggregate classification.
Comment: This variant is classified as likely benign based on ACMG/AMP sequence variant interpretation guidelines (Richards et al. 2015 PMID: 25741868, with internal and published modifications).

NM_012310.5(KIF4A):c.2976+10T>A

Gene: KIF4A (kinesin family member 4A; plus strand). Cytogenetic location: Xq13.1.
Variant type: single nucleotide variant.
Coding change: c.2976+10T>A on transcript NM_012310.5 (MANE Select); 10 bases into the intron after coding-DNA position 2976, T replaced by A.
Molecular consequence: intron variant.
Genome position (GRCh38, 1-based): chrX:70,405,915, T>A. VCF-style: chrX-70405915-T-A. GRCh37 (hg19) VCF-style: chrX-69625765-T-A.
Identifiers: ClinVar variation 435644 (VCV000435644.13), dbSNP rs376405554, ClinGen allele CA10441406.
Genomic context (GRCh38, chrX:70,405,915, plus strand): 5'-GTGTGTGAGCAAAATCAGCAGCTTCTCCGAGAGAATGAAATCATCAAGCAGGTAATACAG[T>A]TTCCCACCCACTTGATAAGCCCTAAGAGACCCCGTTGCTACTGAGGCCAGCTCTTGGGAC-3'